The following is an entry in ClinVar:

NM_000787.4(DBH):c.322G>T (p.Asp108Tyr)

Gene: DBH (dopamine beta-hydroxylase; plus strand). Cytogenetic location: 9q34.2.
Variant type: single nucleotide variant.
Coding change: c.322G>T on transcript NM_000787.4 (MANE Select); coding-DNA position 322, G replaced by T.
Protein change: p.Asp108Tyr; replaces aspartic acid 108 with tyrosine.
Molecular consequence: missense variant.
Genome position (GRCh38, 1-based): chr9:133,636,693, G>T. VCF-style: chr9-133636693-G-T. GRCh37 (hg19) VCF-style: chr9-136501815-G-T.
Other names: short protein forms D108Y.
Identifiers: ClinVar variation 709486 (VCV000709486.9), dbSNP rs200004135, ClinGen allele CA5313006.

ClinVar aggregate classification (germline): Likely benign. Review status: criteria provided, single submitter (1 of 4 stars). 2 submissions from 2 submitters: Likely benign (1). 1 of the submissions does not count toward it. Last evaluated 2025-12-28.

Conditions:
DBH-related disorder. Also called: DBH-related condition.
Orthostatic hypotension 1 (ORTHYP1). Also called: NORADRENALINE DEFICIENCY; NOREPINEPHRINE DEFICIENCY; Dopamine beta-hydroxylase deficiency; Orthostatic hypotension 1, due to DBH deficiency. Identifiers: Orphanet 230, MedGen C4746777, MONDO:0009123, OMIM 223360.

Allele frequency attached by ClinVar (database versions not stated): gnomAD 0.00003 and 0.00004; TOPMed 0.00023; ExAC 0.00034; 1000 Genomes Project 0.00040; gnomAD exomes 0.00043; 1000 Genomes Project 30x 0.00047.
gnomAD v4.1: 127 of 1,603,956 alleles (0.0079%); highest among the groups gnomAD compares: Admixed American, 0.21%; 2 homozygotes.

Submissions (2):

Labcorp Genetics (formerly Invitae), Labcorp
Classification: Likely benign for Orthostatic hypotension 1. Last evaluated: 2025-12-28. Review status: criteria provided, single submitter. Criteria: Invitae Variant Classification Sherloc (09022015). Collection method: clinical testing. Allele origin: germline.

PreventionGenetics, part of Exact Sciences
Classification: Likely benign for DBH-related condition. Last evaluated: 2024-06-08. Review status: no assertion criteria provided. Collection method: clinical testing. Allele origin: germline. Not counted in ClinVar's aggregate classification.
Comment: This variant is classified as likely benign based on ACMG/AMP sequence variant interpretation guidelines (Richards et al. 2015 PMID: 25741868, with internal and published modifications).